The following is an entry in ClinVar:

NM_198253.3(TERT):c.365A>G (p.Tyr122Cys)

Gene: TERT (telomerase reverse transcriptase; minus strand). Cytogenetic location: 5p15.33.
Variant type: single nucleotide variant.
Coding change: c.365A>G on transcript NM_198253.3 (MANE Select); coding-DNA position 365, A replaced by G.
Protein change: p.Tyr122Cys; replaces tyrosine 122 with cysteine.
Molecular consequence: missense variant. On other transcripts: non-coding transcript variant (2).
Genome position (GRCh38, 1-based): chr5:1,294,521, T>C on the plus strand (A>G on the coding strand, the complement: TERT is on the minus strand). VCF-style: chr5-1294521-T-C. GRCh37 (hg19) VCF-style: chr5-1294636-T-C.
Other names: c.365A>G, p.Tyr122Cys (NM_001193376.3); c.365A>G (NM_198253.2); short protein forms Y122C.
Identifiers: ClinVar variation 1021770 (VCV001021770.10), dbSNP rs1751257287, ClinGen allele CA359058180.
Genomic context (GRCh38, chr5:1,294,521, plus strand): 5'-CGCAGCAGCAGCCCCCACGCCCCGCTCCCCCGCAGTGCGTCGGTCACCGTGTTGGGCAGG[T>C]AGCTGCGCACGCTGGTGGTGAAGGCCTCGGGGGGGCCCCCGCGGGCCCCGTCCAGCAGCG-3'
Protein context (NP_937983.2, residues 112-132): PEAFTTSVRS[Tyr122Cys]LPNTVTDALR

ClinVar aggregate classification (germline): Uncertain significance. Review status: criteria provided, multiple submitters, no conflicts (2 of 4 stars). 2 submissions from 2 submitters: Uncertain significance (2). Last evaluated 2025-01-19.

Conditions:
Idiopathic Pulmonary Fibrosis. Also called: Idiopathic fibrosing alveolitis, chronic form; idiopathic fibrosing alveolitis. Identifiers: Orphanet 2032, MedGen C1800706, MeSH D054990, MONDO:0800504.
Dyskeratosis congenita, autosomal dominant 2. Identifiers: MedGen C3151443, MONDO:0013521, OMIM 613989.
Dyskeratosis congenita. Identifiers: Orphanet 1775, MedGen C0265965, MONDO:0015780.

Submissions (2):

Ambry Genetics
Classification: Uncertain significance for Dyskeratosis congenita. Last evaluated: 2025-01-19. Review status: criteria provided, single submitter. Criteria: Ambry Variant Classification Scheme 2023. Collection method: clinical testing. Allele origin: germline.
Comment: The p.Y122C variant (also known as c.365A>G), located in coding exon 2 of the TERT gene, results from an A to G substitution at nucleotide position 365. The tyrosine at codon 122 is replaced by cysteine, an amino acid with highly dissimilar properties. This amino acid position is conserved. In addition, this alteration is predicted to be deleterious by in silico analysis. Based on the available evidence, the clinical significance of this variant remains unclear.

Labcorp Genetics (formerly Invitae), Labcorp
Classification: Uncertain significance for Dyskeratosis congenita, autosomal dominant 2; Idiopathic Pulmonary Fibrosis. Last evaluated: 2020-08-14. Review status: criteria provided, single submitter. Criteria: Invitae Variant Classification Sherloc (09022015). Collection method: clinical testing. Allele origin: germline.
Comment: In summary, the available evidence is currently insufficient to determine the role of this variant in disease. Therefore, it has been classified as a Variant of Uncertain Significance. Advanced modeling of protein sequence and biophysical properties (such as structural, functional, and spatial information, amino acid conservation, physicochemical variation, residue mobility, and thermodynamic stability) performed at Invitae indicates that this missense variant is expected to disrupt TERT protein function. This variant has not been reported in the literature in individuals with TERT-related conditions. This variant is not present in population databases (ExAC no frequency). This sequence change replaces tyrosine with cysteine at codon 122 of the TERT protein (p.Tyr122Cys). The tyrosine residue is moderately conserved and there is a large physicochemical difference between tyrosine and cysteine.